The following is an entry in ClinVar:

ClinVar aggregate classification (germline): Likely benign (1 of 4 stars; one submission).

gnomAD v4.1: 24 of 1,613,514 alleles (0.0015%); highest among the groups gnomAD compares: African/African-American, 0.004%; no homozygotes.

Submission:

CeGaT Center for Human Genetics Tuebingen
Classification: Likely benign. Last evaluated: 2025-01-01. Review status: criteria provided, single submitter. Criteria: CeGaT Center For Human Genetics Tuebingen Variant Classification Criteria Version 2. Collection method: clinical testing. Allele origin: germline. Affected: yes. Observed: 1 variant allele.
Comment: ADGRL1: BP4, BP7

NM_014921.5(ADGRL1):c.2349C>T (p.Thr783=)

Genes: ADGRL1 (adhesion G protein-coupled receptor L1; minus strand), ADGRL1-AS1 (ADGRL1 antisense RNA 1; plus strand). Cytogenetic location: 19p13.12.
Variant type: single nucleotide variant.
Coding change: c.2349C>T on transcript NM_014921.5 (MANE Select); coding-DNA position 2349, C replaced by T.
Protein change: p.Thr783=; no amino-acid change (threonine 783 retained).
Molecular consequence: synonymous variant.
Genome position (GRCh38, 1-based): chr19:14,158,353, G>A on the plus strand (C>T on the coding strand, the complement: ADGRL1 is on the minus strand). VCF-style: chr19-14158353-G-A. GRCh37 (hg19) VCF-style: chr19-14269165-G-A.
Other names: c.2364C>T, p.Thr788= (NM_001008701.3).
Identifiers: ClinVar variation 3771235 (VCV003771235.13).
Genomic context (GRCh38, chr19:14,158,353, plus strand): 5'-AGGGTACAGGGACCCCCATGGAGGGAGGGGGACGGCTCAGCTCACCTCCAGGTGGGCCAC[G>A]GTGAAGATGACAGGGTCCATGAGGAAGACGCGGCTGGACTCCTTGTTGATGGATGCTGCG-3'
Protein context (NP_055736.2, residues 773-793): RVFLMDPVIF[Thr783=]VAHLEDKNHF